The following is an entry in ClinVar:

NM_000455.5(STK11):c.1151G>A (p.Arg384Gln)

Gene: STK11 (serine/threonine kinase 11; plus strand). Cytogenetic location: 19p13.3.
Variant type: single nucleotide variant.
Coding change: c.1151G>A on transcript NM_000455.5 (MANE Select); coding-DNA position 1151, G replaced by A.
Protein change: p.Arg384Gln; replaces arginine 384 with glutamine.
Molecular consequence: missense variant.
Genome position (GRCh38, 1-based): chr19:1,226,496, G>A. VCF-style: chr19-1226496-G-A. GRCh37 (hg19) VCF-style: chr19-1226495-G-A.
Other names: short protein forms R384Q.
Identifiers: ClinVar variation 142537 (VCV000142537.38), dbSNP rs371102112, ClinGen allele CA022368.

ClinVar aggregate classification (germline): Conflicting classifications of pathogenicity. Review status: criteria provided, conflicting classifications (1 of 4 stars). 13 submissions from 13 submitters: Uncertain significance (8); Benign (1); Likely benign (2). 2 of the submissions do not count toward it. Last evaluated 2026-08-28.

Conditions:
STK11-related disorder. Also called: STK11-related condition.
Hereditary cancer-predisposing syndrome. Also called: Tumor predisposition; Neoplastic Syndromes, Hereditary; Hereditary neoplastic syndrome; Hereditary Cancer Syndrome. Identifiers: Orphanet 140162, MedGen C0027672, MeSH D009386, MONDO:0015356.
Peutz-Jeghers syndrome (PJS). Also called: Peutz-Jeghers polyposis; Periorificial lentiginosis syndrome; POLYPOSIS, HAMARTOMATOUS INTESTINAL; POLYPS-AND-SPOTS SYNDROME. Identifiers: Orphanet 2869, MedGen C0031269, MeSH D010580, MONDO:0008280, OMIM 175200.

Allele frequency attached by ClinVar (database versions not stated): TOPMed 0.00002; ESP Exome Variant Server 0.00008; gnomAD 0.00001; gnomAD exomes 0.00001 and below 0.00001; ExAC 0.00002.

Submissions (13):

PreventionGenetics, part of Exact Sciences
Classification: Uncertain significance for STK11-related condition. Last evaluated: 2026-08-28. Review status: criteria provided, single submitter. Criteria: ACMG Guidelines, 2015. Collection method: clinical testing. Allele origin: germline.
Comment: The STK11 c.1151G>A variant is predicted to result in the amino acid substitution p.Arg384Gln. This variant was reported in an individual with pancreatic ductal adenocarcinoma (Yin et al. 2022. PubMed ID: 35171259). It is reported in 0.0033% of alleles in individuals of South Asian descent in gnomAD and has conflicting interpretations in ClinVar ranging from likely benign to uncertain (Variation ID: 142537). Although we suspect that this variant may be benign, at this time, the clinical significance of this variant is uncertain due to the absence of conclusive functional and genetic evidence.

Labcorp Genetics (formerly Invitae), Labcorp
Classification: Benign for Peutz-Jeghers syndrome. Last evaluated: 2026-01-31. Review status: criteria provided, single submitter. Criteria: Invitae Variant Classification Sherloc (09022015). Collection method: clinical testing. Allele origin: germline.

Ambry Genetics
Classification: Likely benign for Hereditary cancer-predisposing syndrome. Last evaluated: 2025-08-04. Review status: criteria provided, single submitter. Criteria: Ambry Variant Classification Scheme 2023. Collection method: clinical testing. Allele origin: germline.

Color Diagnostics, LLC DBA Color Health
Classification: Likely benign for Hereditary cancer-predisposing syndrome. Last evaluated: 2025-06-13. Review status: criteria provided, single submitter. Criteria: ACMG Guidelines, 2015. Collection method: clinical testing. Allele origin: germline.

Center for Genomic Medicine, Rigshospitalet, Copenhagen University Hospital
Classification: Uncertain significance. Last evaluated: 2025-03-04. Review status: criteria provided, single submitter. Criteria: ACMG Guidelines, 2015. Collection method: clinical testing. Allele origin: germline.

Women's Health and Genetics/Laboratory Corporation of America, LabCorp
Classification: Uncertain significance. Last evaluated: 2023-11-22. Review status: criteria provided, single submitter. Criteria: LabCorp Variant Classification Summary - May 2015. Collection method: clinical testing. Allele origin: germline.
Comment: Variant summary: STK11 c.1151G>A (p.Arg384Gln) results in a conservative amino acid change in the encoded protein sequence. Five of five in-silico tools predict a benign effect of the variant on protein function. The variant allele was found at a frequency of 4.1e-06 in 240998 control chromosomes. The available data on variant occurrences in the general population are insufficient to allow any conclusion about variant significance. c.1151G>A has been reported in the literature in an individual affected with pancreatic cancer (Yin_2021). These report(s) do not provide unequivocal conclusions about association of the variant with Peutz-Jeghers Syndrome. To our knowledge, no experimental evidence demonstrating an impact on protein function has been reported. Nine submitters have cited clinical-significance assessments for this variant to ClinVar after 2014. All submitters classified the variant as uncertain significance. Based on the evidence outlined above, the variant was classified as uncertain significance.

All of Us Research Program, National Institutes of Health
Classification: Uncertain significance for Peutz-Jeghers syndrome. Last evaluated: 2023-10-02. Review status: criteria provided, single submitter. Criteria: ACMG Guidelines, 2015. Collection method: clinical testing. Allele origin: germline. Inheritance: Autosomal dominant inheritance. Observed: 3 variant alleles, 3 heterozygotes.
Comment: This missense variant replaces arginine with glutamine at codon 384 of the STK11 protein. Computational prediction suggests that this variant may not impact protein structure and function (internally defined REVEL score threshold <= 0.5, PMID: 27666373). To our knowledge, functional studies have not been reported for this variant. This variant has not been reported in individuals affected with STK11-related disorders in the literature. This variant has been identified in 1/240998 chromosomes in the general population by the Genome Aggregation Database (gnomAD). The available evidence is insufficient to determine the role of this variant in disease conclusively. Therefore, this variant is classified as a Variant of Uncertain Significance.

This study involves interpretation of variants in research participants for the purpose of population health screening. Participant phenotype was not available at the time of variant classification. Additional details can be found in publication PMID: 35346344, PMCID: PMC8962531

Myriad Genetics, Inc.
Classification: Uncertain significance for Peutz-Jeghers syndrome. Last evaluated: 2023-04-14. Review status: criteria provided, single submitter. Criteria: Myriad Autosomal Dominant, Autosomal Recessive and X-Linked Classification Criteria (2023). Collection method: clinical testing. Allele origin: unknown.
Comment: This variant is classified as a variant of uncertain significance as there is insufficient evidence to determine its impact on protein function and/or cancer risk.

Genome-Nilou Lab
Classification: Uncertain significance for Peutz-Jeghers syndrome. Last evaluated: 2021-07-15. Review status: criteria provided, single submitter. Criteria: ACMG Guidelines, 2015. Collection method: clinical testing. Allele origin: germline. Affected: no.

GeneDx
Classification: Uncertain significance. Last evaluated: 2020-04-06. Review status: criteria provided, single submitter. Criteria: GeneDx Variant Classification Process June 2021. Collection method: clinical testing. Allele origin: germline. Affected: yes.
Comment: Not observed at a significant frequency in large population cohorts (Lek 2016); In silico analysis supports that this missense variant does not alter protein structure/function; Has not been previously published as pathogenic or benign to our knowledge

Quest Diagnostics Nichols Institute San Juan Capistrano
Classification: Uncertain significance. Last evaluated: 2018-11-11. Review status: criteria provided, single submitter. Criteria: Quest Diagnostics criteria. Collection method: clinical testing. Allele origin: germline.

Counsyl
Classification: Uncertain significance for Peutz-Jeghers syndrome. Last evaluated: 2017-12-08. Review status: no assertion criteria provided. Collection method: clinical testing. Allele origin: unknown. Not counted in ClinVar's aggregate classification.

Department of Pathology and Laboratory Medicine, Sinai Health System
Classification: Uncertain significance. Review status: no assertion criteria provided. Collection method: clinical testing. Allele origin: unknown. Affected: yes. Study: The Canadian Open Genetics Repository (COGR). Not counted in ClinVar's aggregate classification.
Comment: The STK11 p.Arg384Gln variant was not identified in the literature nor was it identified in Cosmic or LOVD 3.0. The variant was identified in dbSNP (ID: rs371102112) and in ClinVar (classified as VUS for Peutz-Jeghers syndrome by Counsyl and Invitae, and as a VUS for Hereditary cancer-predisposing syndrome by Ambry Genetics and Color). The variant was also identified in control databases in 1 of 240998 chromosomes at a frequency of 0.000004 (Genome Aggregation Database Feb 27, 2017). The variant was observed in the South Asian population in 1 of 30214 chromosomes (freq: 0.000033); it was not observed in the African, Latino, Ashkenazi Jewish, East Asian, European (Finnish), European (non-Finnish) and Other populations. The variant occurs outside of the splicing consensus sequence and in silico or computational prediction software programs (SpliceSiteFinder, MaxEntScan, NNSPLICE, GeneSplicer) do not predict a difference in splicing. The p.Arg384 residue is not conserved in mammals and computational analyses (PolyPhen-2, SIFT, AlignGVGD, BLOSUM, MutationTaster) do not suggest a high likelihood of impact to the protein; however, this information is not predictive enough to rule out pathogenicity. In summary, based on the above information the clinical significance of this variant cannot be determined with certainty at this time. This variant is classified as a variant of uncertain significance.

Literature cited by the submitters: PubMed 35171259 (cited by Women's Health and Genetics/Laboratory Corporation of America, LabCorp).